The following is an entry in ClinVar:

ClinVar aggregate classification (germline): Likely benign. Review status: criteria provided, multiple submitters, no conflicts (2 of 4 stars). 2 submissions from 2 submitters: Likely benign (2). Last evaluated 2025-11-03.

Conditions:
Cohen syndrome (COH1). Also called: Cutis verticis gyrata, retinitis pigmentosa, and sensorineural deafness; PEPPER SYNDROME. Identifiers: Orphanet 193, MedGen C0265223, MONDO:0008999, OMIM 216550.
VPS13B-related disorder. Also called: VPS13B-related condition.

gnomAD v4.1: 2 of 1,610,688 alleles (0.00012%); highest among the groups gnomAD compares: Admixed American, 0.0017%; no homozygotes.

Submissions (2):

Labcorp Genetics (formerly Invitae), Labcorp
Classification: Likely benign for Cohen syndrome. Last evaluated: 2025-11-03. Review status: criteria provided, single submitter. Criteria: Invitae Variant Classification Sherloc (09022015). Collection method: clinical testing. Allele origin: germline.

PreventionGenetics, part of Exact Sciences
Classification: Likely benign for VPS13B-related condition. Last evaluated: 2024-11-15. Review status: criteria provided, single submitter. Criteria: ACMG Guidelines, 2015. Collection method: clinical testing. Allele origin: germline.
Comment: This variant is classified as likely benign based on ACMG/AMP sequence variant interpretation guidelines (Richards et al. 2015 PMID: 25741868, with internal and published modifications).

NM_152564.5(VPS13B):c.6456C>T (p.Gly2152=)

Gene: VPS13B (vacuolar protein sorting 13 homolog B; plus strand). Cytogenetic location: 8q22.2.
Variant type: single nucleotide variant.
Coding change: c.6456C>T on transcript NM_152564.5 (MANE Select); coding-DNA position 6456, C replaced by T.
Protein change: p.Gly2152=; no amino-acid change (glycine 2152 retained).
Molecular consequence: synonymous variant.
Genome position (GRCh38, 1-based): chr8:99,717,172, C>T. VCF-style: chr8-99717172-C-T. GRCh37 (hg19) VCF-style: chr8-100729400-C-T.
Other names: c.6531C>T, p.Gly2177= (NM_017890.5).
Identifiers: ClinVar variation 3005121 (VCV003005121.4), dbSNP rs141845131, ClinGen allele CA462440191.